The following is an entry in ClinVar:

ClinVar aggregate classification (germline): Likely pathogenic. Review status: criteria provided, multiple submitters, no conflicts (2 of 4 stars). 2 submissions from 2 submitters: Likely pathogenic (2). Last evaluated 2025-07-14.

Conditions:
Intellectual developmental disorder, X-linked 93. Also called: MENTAL RETARDATION, X-LINKED, WITH MACROCEPHALY; Intellectual disability, X-linked 93. Identifiers: MedGen C1970841, MONDO:0010393, OMIM 300659.

Submissions (2):

Clinical Genomics Laboratory, Washington University in St. Louis
Classification: Likely pathogenic for Intellectual developmental disorder, X-linked 93. Last evaluated: 2025-07-14. Review status: criteria provided, single submitter. Criteria: ACMG Guidelines, 2015. Collection method: clinical testing. Allele origin: germline. Affected: yes.
Comment: The BRWD3 c.4006-1G>A variant, to our knowledge, has not been reported in the medical literature but has been reported in the ClinVar database as a germline likely pathogenic variant by a single submitter. This variant occurs within the canonical splice acceptor site, which is predicted to cause skipping of the exon, leading to an in-frame transcript. This variant is absent from the general population (gnomAD v2.1.1), indicating it is not a common variant. Based on available information and the ACMG/AMP guidelines for variant interpretation (Richards S et al., PMID: 25741868), this variant is classified as likely pathogenic.

Rady Children's Institute for Genomic Medicine, Rady Children's Hospital San Diego
Classification: Likely pathogenic for X-linked intellectual developmental disorder-93. Review status: criteria provided, single submitter. Criteria: ACMG Guidelines, 2015. Collection method: clinical testing. Allele origin: germline. Affected: yes.
Comment: This variant affects the canonical splice acceptor site of intron 35 and is therefore predicted to interfere with splicing and result in loss of normal protein function through either protein truncation or nonsense-mediated mRNA decay (NMD). This variant has not been previously reported or functionally characterized in the literature to our knowledge. Loss-of-function variation in BRWD3 is an established mechanism of disease (PMID: 36414205). The c.4006-1G>A variant is absent from the gnomAD population database and thus is presumed to be rare. Based on the available evidence, the c.4006-1G>A variant is classified as Likely Pathogenic.

NM_153252.5(BRWD3):c.4006-1G>A

Gene: BRWD3 (bromodomain and WD repeat domain containing 3; minus strand). Cytogenetic location: Xq21.1.
Variant type: single nucleotide variant.
Coding change: c.4006-1G>A on transcript NM_153252.5 (MANE Select); the canonical splice acceptor site of the intron before coding-DNA position 4006, G replaced by A.
Molecular consequence: splice acceptor variant.
Genome position (GRCh38, 1-based): chrX:80,685,537, C>T on the plus strand (G>A on the coding strand, the complement: BRWD3 is on the minus strand). VCF-style: chrX-80685537-C-T. GRCh37 (hg19) VCF-style: chrX-79941036-C-T.
Identifiers: ClinVar variation 2584526 (VCV002584526.2), dbSNP rs2520219483, ClinGen allele CA413612733.